The following is an entry in ClinVar:

NM_014244.5(ADAMTS2):c.144del (p.Leu50fs)

Gene: ADAMTS2 (ADAM metallopeptidase with thrombospondin type 1 motif 2; minus strand). Cytogenetic location: 5q35.3.
Variant type: Deletion.
Coding change: c.144del on transcript NM_014244.5 (MANE Select); coding-DNA position 144, one base deleted (G; older notation c.144delG).
Protein change: p.Leu50fs; shifts the reading frame from leucine 50.
Molecular consequence: frameshift variant.
Genome position (GRCh38, 1-based): chr5:179,344,157, C deleted on the plus strand (G on the coding strand, the reverse complement: ADAMTS2 is on the minus strand); the first of 3 consecutive C bases (chr5:179,344,157-179,344,159); deleting any one gives the same sequence. VCF-style (leftmost placement, unchanged base first): chr5-179344156-GC-G. GRCh37 (hg19) VCF-style: chr5-178771157-GC-G.
Other names: c.144del, p.Leu50fs (NM_021599.4); short protein forms L50fs.
Identifiers: ClinVar variation 5014718 (VCV005014718.1).

ClinVar aggregate classification (germline): Pathogenic (1 of 4 stars; one submission).

Conditions:
Ehlers-Danlos syndrome, dermatosparaxis type. Also called: EDS VIIC; Dermatosparaxis; Ehlers-Danlos syndrome, type VII, autosomal recessive. Identifiers: Orphanet 1901, MedGen C2700425, MONDO:0009161, OMIM 225410.

Submission:

Myriad Genetics, Inc.
Classification: Pathogenic for Ehlers-Danlos syndrome, dermatosparaxis type. Last evaluated: 2025-07-14. Review status: criteria provided, single submitter. Criteria: Myriad Autosomal Dominant, Autosomal Recessive and X-Linked Classification Criteria (2023). Collection method: clinical testing. Allele origin: unknown.
Comment: NM_014244.4(ADAMTS2):c.144delG(L50Wfs*115) is expected to be pathogenic in the context of Ehlers-Danlos syndrome, ADAMTS2-related. This variant is predicted to lead to an abnormal or absent protein product due to the creation of a premature termination codon in ADAMTS2, a gene where loss-of-function variants are known to be pathogenic. Please note: this variant was assessed in the context of healthy population screening.